The following is an entry in ClinVar:

ClinVar aggregate classification (germline): Pathogenic. Review status: criteria provided, multiple submitters, no conflicts (2 of 4 stars). 7 submissions from 7 submitters: Pathogenic (6). 1 of the submissions does not count toward it. Last evaluated 2024-06-06.

Conditions:
CFTR-related disorder (CFTR-RD). Also called: CFTR-related condition; CFTR-related disorders. Identifiers: MedGen C5924204, MONDO:7770004.
Cystic fibrosis (CF). Also called: MUCOVISCIDOSIS. Identifiers: Orphanet 586, MedGen C0010674, MONDO:0009061, OMIM 219700. Disease mechanism: loss of function.

Submissions (7):

Natera, Inc.
Classification: Pathogenic for CFTR-related disorders. Last evaluated: 2024-06-06. Review status: criteria provided, single submitter. Criteria: Natera Variant Classification Schema (03/2026). Collection method: clinical testing. Allele origin: germline.
Comment: The c.2997_3000delAATT variant in CFTR is a frameshift variant predicted to shift the reading frame and introduce a stop codon. This variant is expected to result in nonsense mediated decay, truncation, or a dysfunctional protein product. This variant is rare in the general population with a frequency below the threshold expected for the associated phenotype(s). This variant has been observed in one or more individuals affected with the associated recessive disease, as either homozygous or compound heterozygous with a second variant (PMID: 32539862). Given the available evidence, this variant is classified as Pathogenic.

Women's Health and Genetics/Laboratory Corporation of America, LabCorp
Classification: Pathogenic for Cystic fibrosis. Last evaluated: 2024-04-16. Review status: criteria provided, single submitter. Criteria: LabCorp Variant Classification Summary - May 2015. Collection method: clinical testing. Allele origin: germline.
Comment: Variant summary: CFTR c.2997_3000delAATT (p.Ile1000X) results in a premature termination codon, predicted to cause absence of the protein due to nonsense mediated decay, which is a commonly known mechanism for disease. The variant was absent in 251116 control chromosomes (gnomAD). c.2997_3000delAATT has been reported in the literature in individuals affected with Cystic Fibrosis (e.g. Liu_2020, AbdulWahab_2021). The following publications have been ascertained in the context of this evaluation (PMID: 32539862, 34377682). ClinVar contains an entry for this variant (Variation ID: 53618). Based on the evidence outlined above, the variant was classified as pathogenic.

Ambry Genetics
Classification: Pathogenic for Cystic fibrosis. Last evaluated: 2022-08-01. Review status: criteria provided, single submitter. Criteria: Ambry Variant Classification Scheme 2023. Collection method: clinical testing. Allele origin: germline.
Comment: The c.2997_3000delAATT pathogenic mutaiton, located in coding exon 19 of the CFTR gene, results from a deletion of 4 nucleotides at nucleotide positions 2997 to 3000, causing a translational frameshift with a predicted alternate stop codon (p.I1000*). This variant is considered to be rare based on population cohorts in the Genome Aggregation Database (gnomAD). This alteration has been detected in the homozygous state, or in conjunction with another CFTR pathogenic mutation, in multiple unrelated individuals with cystic fibrosis or CFTR-related disorders (AbdulWahab A et al. Qatar Med J, 2021 Jul;2021:24; Liu K et al. Orphanet J Rare Dis, 2020 06;15:150; El-Seedy A et al. Cell Mol Biol (Noisy-le-grand), 2016 Nov;62:21-28). In addition to the clinical data presented in the literature, this alteration is expected to result in loss of function by premature protein truncation or nonsense-mediated mRNA decay. As such, this alteration is interpreted as a disease-causing mutation.

Labcorp Genetics (formerly Invitae), Labcorp
Classification: Pathogenic for Cystic fibrosis. Last evaluated: 2021-09-18. Review status: criteria provided, single submitter. Criteria: Invitae Variant Classification Sherloc (09022015). Collection method: clinical testing. Allele origin: germline.
Comment: For these reasons, this variant has been classified as Pathogenic. This variant is also known as 3126del4 and/or 3129del4. ClinVar contains an entry for this variant (Variation ID: 53618). This premature translational stop signal has been observed in individual(s) with CFTR-related conditions (PMID: 11788090, 32539862). This variant is not present in population databases (ExAC no frequency). This sequence change creates a premature translational stop signal (p.Ile1000*) in the CFTR gene. It is expected to result in an absent or disrupted protein product. Loss-of-function variants in CFTR are known to be pathogenic (PMID: 1695717, 7691345, 9725922).

Mendelics
Classification: Pathogenic for Cystic fibrosis. Last evaluated: 2018-11-05. Review status: criteria provided, single submitter. Criteria: Mendelics Assertion Criteria 2017. Collection method: clinical testing. Allele origin: unknown. Affected: yes.

CFTR-France
Classification: Pathogenic for cystic fibrosis. Last evaluated: 2018-01-29. Review status: criteria provided, single submitter. Criteria: Claustres M et al. (Hum Mutat 2017). Collection method: curation. Allele origin: germline. Affected: yes.

Counsyl
Classification: Likely pathogenic for Cystic fibrosis. Last evaluated: 2016-05-11. Review status: no assertion criteria provided. Collection method: clinical testing. Allele origin: unknown. Not counted in ClinVar's aggregate classification.

Literature cited by the submitters: PubMed 32539862 (cited by 4 submitters); PubMed 34377682 (cited by Women's Health and Genetics/Laboratory Corporation of America, LabCorp and Ambry Genetics); PubMed 28040058 (cited by Ambry Genetics); PubMed 11788090 (cited by Labcorp Genetics (formerly Invitae), Labcorp and Counsyl); PubMed 1695717 (cited by Labcorp Genetics (formerly Invitae), Labcorp); PubMed 7691345 (cited by Labcorp Genetics (formerly Invitae), Labcorp); PubMed 9725922 (cited by Labcorp Genetics (formerly Invitae), Labcorp); PubMed 18373402 (cited by Counsyl); PubMed 15698946 (cited by Counsyl).

NM_000492.4(CFTR):c.2997_3000del (p.Leu999_Ile1000insTer)

Genes: CFTR (CF transmembrane conductance regulator; plus strand), CFTR-AS2 (CFTR antisense RNA 2; minus strand), LOC111674472 (DNase I hypersensitive sites in introns 16 and 17a of CFTR; plus strand). Cytogenetic location: 7q31.2.
Variant type: Deletion.
Coding change: c.2997_3000del on transcript NM_000492.4 (MANE Select); coding-DNA positions 2997 to 3000, 4 bases deleted (AATT; older notation c.2997_3000delAATT).
Protein change: p.Leu999_Ile1000insTer.
Molecular consequence: frameshift variant.
Genome position (GRCh38, 1-based): chr7:117,610,527-117,610,530, AATT deleted; deleting any 4 consecutive bases within chr7:117,610,524-117,610,530 gives the same sequence; the c. name uses the placement nearest the transcript's 3' end. VCF-style (leftmost placement, unchanged base first): chr7-117610523-TATTA-T. GRCh37 (hg19) VCF-style: chr7-117250577-TATTA-T.
Other names: c.2994_2997delATTA (NM_000492.3); c.2997_3000delAATT (NM_000492.4).
Identifiers: ClinVar variation 53618 (VCV000053618.14), dbSNP rs397508472, ClinGen allele CA327000.
Genomic context (GRCh38, chr7:117,610,523, plus strand): 5'-TCCACTTTGCAATGTGAAAATGTTTACTCACCAACATGTTTTCTTTGATCTTACAGTTGT[TATTA>T]ATTGTGATTGGAGCTATAGCAGTTGTCGCAGTTTTACAACCCTACATCTTTGTTGCAACA-3'